The following is an entry in ClinVar:

ClinVar aggregate classification (germline): Benign. Review status: criteria provided, multiple submitters, no conflicts (2 of 4 stars). 6 submissions from 6 submitters: Benign (4). 2 of the submissions do not count toward it. Last evaluated 2026-02-03.

Conditions:
Pyridoxal phosphate-responsive seizures (PNPOD). Also called: Pyridoxal 5'-Phosphate (PLP)-Dependent Epilepsy; Pyridoxamine 5-Prime-Phosphate Oxidase Deficiency; EPILEPTIC ENCEPHALOPATHY, NEONATAL, PNPO-RELATED; SEIZURES, PYRIDOXINE-RESISTANT, PLP-SENSITIVE; Pyridoxine-5'-phosphate oxidase deficiency. Identifiers: Orphanet 79096, MedGen C1864723, MONDO:0012407, OMIM 610090. Disease mechanism: loss of function.

Allele frequency attached by ClinVar (database versions not stated): gnomAD exomes 0.00578; ExAC 0.00674; 1000 Genomes Project 0.01897; gnomAD 0.01925 and 0.02044; 1000 Genomes Project 30x 0.02077; TOPMed 0.02165; ESP Exome Variant Server 0.02214.
gnomAD v4.1: 6,461 of 1,613,302 alleles (0.4%); highest among the groups gnomAD compares: African/African-American, 6.4%; 187 homozygotes.

Submissions (6):

Labcorp Genetics (formerly Invitae), Labcorp
Classification: Benign for Pyridoxal phosphate-responsive seizures. Last evaluated: 2026-02-03. Review status: criteria provided, single submitter. Criteria: Invitae Variant Classification Sherloc (09022015). Collection method: clinical testing. Allele origin: germline.

Illumina Laboratory Services, Illumina
Classification: Benign for Pyridoxal phosphate-responsive seizures. Last evaluated: 2018-01-13. Review status: criteria provided, single submitter. Criteria: ICSL Variant Classification Criteria 13 December 2019. Collection method: clinical testing. Allele origin: germline.
Comment: This variant was observed in the ICSL laboratory as part of a predisposition screen in an ostensibly healthy population. It had not been previously curated by ICSL or reported in the Human Gene Mutation Database (HGMD: prior to June 1st, 2018), and was therefore a candidate for classification through an automated scoring system. Utilizing variant allele frequency, disease prevalence and penetrance estimates, and inheritance mode, an automated score was calculated to assess if this variant is too frequent to cause the disease. Based on the score and internal cut-off values, a variant classified as benign is not then subjected to further curation. The score for this variant resulted in a classification of benign for this disease.

GeneDx
Classification: Benign. Last evaluated: 2012-03-28. Review status: criteria provided, single submitter. Criteria: GeneDx Variant Classification (06012015). Collection method: clinical testing. Allele origin: germline. Affected: yes.
Comment: This variant is considered likely benign or benign based on one or more of the following criteria: it is a conservative change, it occurs at a poorly conserved position in the protein, it is predicted to be benign by multiple in silico algorithms, and/or has population frequency not consistent with disease.

Breakthrough Genomics
Classification: Benign. Review status: criteria provided, single submitter. Criteria: ACMG Guidelines, 2015. Collection method: not provided. Allele origin: germline. Inheritance: Autosomal recessive inheritance. Affected: yes.

Clinical Genetics, Academic Medical Center
Classification: Benign. Review status: no assertion criteria provided. Collection method: clinical testing. Allele origin: germline. Affected: yes. Study: VKGL Data-share Consensus. Not counted in ClinVar's aggregate classification.

Genome Diagnostics Laboratory, University Medical Center Utrecht
Classification: Benign. Review status: no assertion criteria provided. Collection method: clinical testing. Allele origin: germline. Affected: yes. Study: VKGL Data-share Consensus. Not counted in ClinVar's aggregate classification.

NM_018129.4(PNPO):c.546+15G>A

Gene: PNPO (pyridoxamine 5'-phosphate oxidase; plus strand). Cytogenetic location: 17q21.32.
Variant type: single nucleotide variant.
Coding change: c.546+15G>A on transcript NM_018129.4 (MANE Select); 15 bases into the intron after coding-DNA position 546, G replaced by A.
Molecular consequence: intron variant.
Genome position (GRCh38, 1-based): chr17:47,946,004, G>A. VCF-style: chr17-47946004-G-A. GRCh37 (hg19) VCF-style: chr17-46023370-G-A.
Identifiers: ClinVar variation 138732 (VCV000138732.16), dbSNP rs71377328, ClinGen allele CA292815.
Genomic context (GRCh38, chr17:47,946,004, plus strand): 5'-TGGGGCTGTGGTCAGCCACCAGAGTTCTGTGATCCCTGATCGGGAGGTGAGTGGAGCTCC[G>A]CTGTAGTCCTCCAGGTGGTGGAGGCTTTGGCTTATCCCCAGAAGCTGTCCCCAGGAGATG-3'